The following is an entry in ClinVar:

NM_020433.5(JPH2):c.683G>A (p.Gly228Asp)

Gene: JPH2 (junctophilin 2; minus strand). Cytogenetic location: 20q13.12.
Variant type: single nucleotide variant.
Coding change: c.683G>A on transcript NM_020433.5 (MANE Select); coding-DNA position 683, G replaced by A.
Protein change: p.Gly228Asp; replaces glycine 228 with aspartic acid.
Molecular consequence: missense variant.
Genome position (GRCh38, 1-based): chr20:44,160,104, C>T on the plus strand (G>A on the coding strand, the complement: JPH2 is on the minus strand). VCF-style: chr20-44160104-C-T. GRCh37 (hg19) VCF-style: chr20-42788744-C-T.
Other names: short protein forms G228D.
Identifiers: ClinVar variation 3000209 (VCV003000209.3), dbSNP rs2072598239, ClinGen allele CA409093893.

ClinVar aggregate classification (germline): Uncertain significance (1 of 4 stars; one submission).

Conditions:
Hypertrophic cardiomyopathy. Also called: HYPERTROPHIC MYOCARDIOPATHY. Identifiers: Orphanet 217569, MedGen C0007194, MeSH D002312, MONDO:0005045, HP:0001639.

Allele frequency attached by ClinVar (database versions not stated): gnomAD exomes below 0.00001.
gnomAD v4.1: 1 of 1,524,982 alleles (0.000066%); highest among the groups gnomAD compares: Non-Finnish European, 0.000088%; no homozygotes.

Submission:

Labcorp Genetics (formerly Invitae), Labcorp
Classification: Uncertain significance for Hypertrophic cardiomyopathy. Last evaluated: 2023-06-24. Review status: criteria provided, single submitter. Criteria: Invitae Variant Classification Sherloc (09022015). Collection method: clinical testing. Allele origin: germline.
Comment: An algorithm developed to predict the effect of missense changes on protein structure and function (PolyPhen-2) suggests that this variant is likely to be disruptive. In summary, the available evidence is currently insufficient to determine the role of this variant in disease. Therefore, it has been classified as a Variant of Uncertain Significance. This variant has not been reported in the literature in individuals affected with JPH2-related conditions. This variant is not present in population databases (gnomAD no frequency). This sequence change replaces glycine, which is neutral and non-polar, with aspartic acid, which is acidic and polar, at codon 228 of the JPH2 protein (p.Gly228Asp).